The following is an entry in ClinVar:

NM_001134363.3(RBM20):c.371T>C (p.Leu124Pro)

Gene: RBM20 (RNA binding motif protein 20; plus strand). Cytogenetic location: 10q25.2.
Variant type: single nucleotide variant.
Coding change: c.371T>C on transcript NM_001134363.3 (MANE Select); coding-DNA position 371, T replaced by C.
Protein change: p.Leu124Pro; replaces leucine 124 with proline.
Molecular consequence: missense variant.
Genome position (GRCh38, 1-based): chr10:110,780,980, T>C. VCF-style: chr10-110780980-T-C. GRCh37 (hg19) VCF-style: chr10-112540738-T-C.
Other names: short protein forms L124P.
Identifiers: ClinVar variation 2123769 (VCV002123769.4), dbSNP rs2493409772, ClinGen allele CA378379868.

ClinVar aggregate classification (germline): Uncertain significance (1 of 4 stars; one submission).

Conditions:
Dilated cardiomyopathy 1DD (CMD1DD). Identifiers: Orphanet 154, MedGen C2750995, MONDO:0013168, OMIM 613172.

Allele frequency attached by ClinVar (database versions not stated): gnomAD exomes below 0.00001.
gnomAD v4.1: 1 of 1,551,582 alleles (0.000064%); highest among the groups gnomAD compares: Non-Finnish European, 0.000087%; no homozygotes.

Submission:

Labcorp Genetics (formerly Invitae), Labcorp
Classification: Uncertain significance for Dilated cardiomyopathy 1DD. Last evaluated: 2022-08-18. Review status: criteria provided, single submitter. Criteria: Invitae Variant Classification Sherloc (09022015). Collection method: clinical testing. Allele origin: germline.
Comment: Advanced modeling of protein sequence and biophysical properties (such as structural, functional, and spatial information, amino acid conservation, physicochemical variation, residue mobility, and thermodynamic stability) performed at Invitae indicates that this missense variant is expected to disrupt RBM20 protein function. This sequence change replaces leucine, which is neutral and non-polar, with proline, which is neutral and non-polar, at codon 124 of the RBM20 protein (p.Leu124Pro). This variant is not present in population databases (gnomAD no frequency). This variant has not been reported in the literature in individuals affected with RBM20-related conditions. In summary, the available evidence is currently insufficient to determine the role of this variant in disease. Therefore, it has been classified as a Variant of Uncertain Significance.